The following is an entry in ClinVar:

ClinVar aggregate classification (germline): Conflicting classifications of pathogenicity. Review status: criteria provided, conflicting classifications (1 of 4 stars). 2 submissions from 2 submitters: Uncertain significance (1); Likely benign (1). Last evaluated 2024-09-30.

Conditions:
Familial sleep-related hypermotor epilepsy. Also called: Autosomal Dominant Sleep-Related Hypermotor (Hyperkinetic) Epilepsy. Identifiers: Orphanet 98784, MedGen C3696898, MONDO:0000030.

Allele frequency attached by ClinVar (database versions not stated): gnomAD exomes below 0.00001.

Submissions (2):

Labcorp Genetics (formerly Invitae), Labcorp
Classification: Uncertain significance. Last evaluated: 2024-09-30. Review status: criteria provided, single submitter. Criteria: Invitae Variant Classification Sherloc (09022015). Collection method: clinical testing. Allele origin: germline.
Comment: This sequence change replaces leucine, which is neutral and non-polar, with arginine, which is basic and polar, at codon 18 of the CHRNA4 protein (p.Leu18Arg). This variant is not present in population databases (gnomAD no frequency). This variant has not been reported in the literature in individuals affected with CHRNA4-related conditions. ClinVar contains an entry for this variant (Variation ID: 205010). Experimental studies and prediction algorithms are not available or were not evaluated, and the functional significance of this variant is currently unknown. In summary, the available evidence is currently insufficient to determine the role of this variant in disease. Therefore, it has been classified as a Variant of Uncertain Significance.

GeneDx
Classification: Likely benign. Last evaluated: 2014-07-10. Review status: criteria provided, single submitter. Criteria: GeneDx Variant Classification (06012015). Collection method: clinical testing. Allele origin: germline. Affected: yes.
Comment: This variant is considered likely benign or benign based on one or more of the following criteria: it is a conservative change, it occurs at a poorly conserved position in the protein, it is predicted to be benign by multiple in silico algorithms, and/or has population frequency not consistent with disease.

NM_000744.7(CHRNA4):c.53T>G (p.Leu18Arg)

Genes: CHRNA4 (cholinergic receptor nicotinic alpha 4 subunit; minus strand), LOC100130587 (uncharacterized LOC100130587; plus strand). Cytogenetic location: 20q13.33.
Variant type: single nucleotide variant.
Coding change: c.53T>G on transcript NM_000744.7 (MANE Select); coding-DNA position 53, T replaced by G.
Protein change: p.Leu18Arg; replaces leucine 18 with arginine.
Molecular consequence: missense variant. On other transcripts: non-coding transcript variant (1), intron variant (1).
Genome position (GRCh38, 1-based): chr20:63,361,113, A>C on the plus strand (T>G on the coding strand, the complement: CHRNA4 is on the minus strand). VCF-style: chr20-63361113-A-C. GRCh37 (hg19) VCF-style: chr20-61992465-A-C.
Other names: p.L18R:CTT>CGT; c.-471+64T>G (NM_001256573.2); short protein forms L18R.
Identifiers: ClinVar variation 205010 (VCV000205010.3), dbSNP rs796052314, ClinGen allele CA313538.
Genomic context (GRCh38, chr20:63,361,113, plus strand): 5'-GGGCGAAAGGGGGCCCATCCCGCGCCCCGTAACTTACCGCGCAGGAGGCCGGTCCCCAGA[A>C]GCAGCAGCAGCGGCGGCAGCAGCCGCGGCGCTCCGGGGCCCCCTAGCTCCATGGCGCACG-3'
Protein context (NP_000735.1, residues 8-28): APRLLPPLLL[Leu18Arg]LGTGLLRASS